The following is an entry in ClinVar:

ClinVar aggregate classification (germline): Uncertain significance (1 of 4 stars; one submission).

Conditions:
Familial cold autoinflammatory syndrome 2 (FCAS2). Identifiers: Orphanet 247868, MedGen C2673198, MONDO:0012724, OMIM 611762.

Allele frequency attached by ClinVar (database versions not stated): gnomAD exomes below 0.00001.
gnomAD v4.1: 2 of 1,614,152 alleles (0.00012%); highest among the groups gnomAD compares: Admixed American, 0.0017%; no homozygotes.

Submission:

Labcorp Genetics (formerly Invitae), Labcorp
Classification: Uncertain significance for Familial cold autoinflammatory syndrome 2. Last evaluated: 2020-05-15. Review status: criteria provided, single submitter. Criteria: Invitae Variant Classification Sherloc (09022015). Collection method: clinical testing. Allele origin: germline.
Comment: In summary, the available evidence is currently insufficient to determine the role of this variant in disease. Therefore, it has been classified as a Variant of Uncertain Significance. Algorithms developed to predict the effect of missense changes on protein structure and function are either unavailable or do not agree on the potential impact of this missense change (SIFT: "Deleterious"; PolyPhen-2: "Probably Damaging"; Align-GVGD: "Class C15"). This variant has not been reported in the literature in individuals with NLRP12-related disease. This variant is not present in population databases (ExAC no frequency). This sequence change replaces valine with methionine at codon 637 of the NLRP12 protein (p.Val637Met). The valine residue is highly conserved and there is a small physicochemical difference between valine and methionine.

NM_144687.4(NLRP12):c.1909G>A (p.Val637Met)

Gene: NLRP12 (NLR family pyrin domain containing 12; minus strand). Cytogenetic location: 19q13.42.
Variant type: single nucleotide variant.
Coding change: c.1909G>A on transcript NM_144687.4 (MANE Select); coding-DNA position 1909, G replaced by A.
Protein change: p.Val637Met; replaces valine 637 with methionine.
Molecular consequence: missense variant.
Genome position (GRCh38, 1-based): chr19:53,809,750, C>T on the plus strand (G>A on the coding strand, the complement: NLRP12 is on the minus strand). VCF-style: chr19-53809750-C-T. GRCh37 (hg19) VCF-style: chr19-54313004-C-T.
Other names: c.1909G>A, p.Val637Met (NM_001277126.2, NM_001277129.1); short protein forms V637M.
Identifiers: ClinVar variation 638810 (VCV000638810.10), dbSNP rs1254553227, ClinGen allele CA407412061.
Genomic context (GRCh38, chr19:53,809,750, plus strand): 5'-AGCGCTTCAGACAGAACGAGGAGACCATGTGCTCCATCTTGGAGGCAATGTTGCTGACCA[C>T]GATCACCTGGAAGTGGCTCAGGGCCTGCTGGATAAACTCCTCCTCCTGGATCTCGTACAA-3'
Protein context (NP_653288.1, residues 627-647): QQALSHFQVI[Val637Met]VSNIASKMEH